The following is an entry in ClinVar:

ClinVar aggregate classification (germline): Uncertain significance (1 of 4 stars; one submission).

Conditions:
Hereditary cancer-predisposing syndrome. Also called: Hereditary Cancer Syndrome; Tumor predisposition; Hereditary neoplastic syndrome; Neoplastic Syndromes, Hereditary. Identifiers: Orphanet 140162, MedGen C0027672, MeSH D009386, MONDO:0015356.
Cardiovascular phenotype. Identifiers: MedGen CN230736.

Submission:

Ambry Genetics
Classification: Uncertain significance for Cardiovascular phenotype; Hereditary cancer-predisposing syndrome. Last evaluated: 2024-10-29. Review status: criteria provided, single submitter. Criteria: Ambry Variant Classification Scheme 2023. Collection method: clinical testing. Allele origin: germline.
Comment: The c.1209_1210delTTinsAC variant (also known as p.S404P), located in coding exon 11 of the NF1 gene, results from an in-frame deletion of TT and insertion of AC at nucleotide positions 1209 to 1210. This results in the substitution of the serine residue for a proline residue at codon 404, an amino acid with similar properties. This amino acid position is well conserved in available vertebrate species. In addition, this alteration is predicted to be neutral by in silico analysis (Choi Y et al. PLoS ONE. 2012; 7(10):e46688). Based on the available evidence, the clinical significance of this variant remains unclear.

NM_001042492.3(NF1):c.1209_1210delinsAC (p.Ser404Pro)

Gene: NF1 (neurofibromin 1; plus strand). Cytogenetic location: 17q11.2.
Variant type: Indel.
Coding change: c.1209_1210delinsAC on transcript NM_001042492.3 (MANE Select); coding-DNA positions 1209 to 1210, TT replaced by AC.
Protein change: p.Ser404Pro; replaces serine 404 with proline.
Molecular consequence: missense variant.
Genome position (GRCh38, 1-based): chr17:31,201,434-31,201,435, TT replaced by AC. VCF-style: chr17-31201434-TT-AC. GRCh37 (hg19) VCF-style: chr17-29528452-TT-AC.
Other names: c.1209_1210delTTinsAC, p.Ser404Pro (NM_000267.4); c.1209_1210delinsAC, p.Ser404Pro (NM_001128147.3); c.1209_1210delTTinsAC (NM_000267.3); short protein forms S404P.
Identifiers: ClinVar variation 3404807 (VCV003404807.1).